The following is an entry in ClinVar:

NM_001023.4(RPS20):c.137_140del (p.Lys46fs)

Gene: RPS20 (ribosomal protein S20; minus strand). Cytogenetic location: 8q12.1.
Variant type: Deletion.
Coding change: c.137_140del on transcript NM_001023.4 (MANE Select); coding-DNA positions 137 to 140, 4 bases deleted (AGAA; older notation c.137_140delAGAA).
Protein change: p.Lys46fs; shifts the reading frame from lysine 46.
Molecular consequence: frameshift variant.
Genome position (GRCh38, 1-based): chr8:56,073,732-56,073,735, TTCT deleted on the plus strand (AGAA on the coding strand, the reverse complement: RPS20 is on the minus strand); deleting any 4 consecutive bases within chr8:56,073,732-56,073,737 gives the same sequence; the c. name uses the placement nearest the transcript's 3' end. VCF-style (leftmost placement, unchanged base first): chr8-56073731-ATTCT-A. GRCh37 (hg19) VCF-style: chr8-56986290-ATTCT-A.
Other names: c.137_140del, p.Lys46fs (NM_001146227.3); short protein forms K46fs.
Identifiers: ClinVar variation 3604145 (VCV003604145.2).
Genomic context (GRCh38, chr8:56,073,731, plus strand): 5'-TCCTGCCCCTCCGATTTACTTTACCTTGGTAGGCATTCGAACTGGTCCTTTCACTTTGAG[ATTCT>A]TTTCTTTTGCGCCTCTTATCAAGTCAGCACACACTACAGGAAATAAAAGACCTCTCAGTA-3'

ClinVar aggregate classification (germline): Uncertain significance (1 of 4 stars; one submission).

Submission:

Labcorp Genetics (formerly Invitae), Labcorp
Classification: Uncertain significance. Last evaluated: 2024-03-28. Review status: criteria provided, single submitter. Criteria: Invitae Variant Classification Sherloc (09022015). Collection method: clinical testing. Allele origin: germline.
Comment: This sequence change creates a premature translational stop signal (p.Lys46Ilefs*4) in the RPS20 gene. While this is not anticipated to result in nonsense mediated decay, it is expected to disrupt the last 74 amino acid(s) of the RPS20 protein. This variant is not present in population databases (gnomAD no frequency). This variant has not been reported in the literature in individuals affected with RPS20-related conditions. Experimental studies and prediction algorithms are not available or were not evaluated, and the functional significance of this variant is currently unknown. In summary, the available evidence is currently insufficient to determine the role of this variant in disease. Therefore, it has been classified as a Variant of Uncertain Significance.